The following is an entry in ClinVar:

ClinVar aggregate classification (germline): Uncertain significance (1 of 4 stars; one submission).

Submission:

Ambry Genetics
Classification: Uncertain significance. Last evaluated: 2020-12-21. Review status: criteria provided, single submitter. Criteria: Ambry Variant Classification Scheme 2023. Collection method: clinical testing. Allele origin: germline.
Comment: The p.F745C variant (also known as c.2234T>G), located in coding exon 22 of the KIF1B gene, results from a T to G substitution at nucleotide position 2234. The phenylalanine at codon 745 is replaced by cysteine, an amino acid with highly dissimilar properties. This amino acid position is highly conserved in available vertebrate species. In addition, this alteration is predicted to be deleterious by in silico analysis. Since supporting evidence is limited at this time, the clinical significance of this alteration remains unclear.

NM_001365951.3(KIF1B):c.2372T>G (p.Phe791Cys)

Gene: KIF1B (kinesin family member 1B; plus strand). Cytogenetic location: 1p36.22.
Variant type: single nucleotide variant.
Coding change: c.2372T>G on transcript NM_001365951.3 (MANE Select); coding-DNA position 2372, T replaced by G.
Protein change: p.Phe791Cys; replaces phenylalanine 791 with cysteine.
Molecular consequence: missense variant.
Genome position (GRCh38, 1-based): chr1:10,323,897, T>G. VCF-style: chr1-10323897-T-G. GRCh37 (hg19) VCF-style: chr1-10383955-T-G.
Other names: c.2372T>G, p.Phe791Cys (NM_001365952.1); c.2234T>G, p.Phe745Cys (NM_015074.3); short protein forms F791C, F745C.
Identifiers: ClinVar variation 1788164 (VCV001788164.2), dbSNP rs2521622099, ClinGen allele CA338334267.